The following is an entry in ClinVar:

NM_005026.5(PIK3CD):c.1618G>C (p.Glu540Gln)

Gene: PIK3CD (phosphatidylinositol-4,5-bisphosphate 3-kinase catalytic subunit delta; plus strand). Cytogenetic location: 1p36.22.
Variant type: single nucleotide variant.
Coding change: c.1618G>C on transcript NM_005026.5 (MANE Select); coding-DNA position 1618, G replaced by C.
Protein change: p.Glu540Gln; replaces glutamic acid 540 with glutamine.
Molecular consequence: missense variant.
Genome position (GRCh38, 1-based): chr1:9,720,838, G>C. VCF-style: chr1-9720838-G-C. GRCh37 (hg19) VCF-style: chr1-9780896-G-C.
Other names: c.1615G>C, p.Glu539Gln (NM_001350234.2); c.1531G>C, p.Glu511Gln (NM_001350235.1); short protein forms E511Q, E539Q, E540Q.
Identifiers: ClinVar variation 1718078 (VCV001718078.6), dbSNP rs1262560788, ClinGen allele CA338303912.

ClinVar aggregate classification (germline): Uncertain significance (1 of 4 stars; one submission).

Conditions:
Immunodeficiency 14 (IMD14A). Also called: IMMUNODEFICIENCY 14A WITH LYMPHOPROLIFERATION, AUTOSOMAL DOMINANT; p110-DELTA-ACTIVATING MUTATION CAUSING SENESCENT T CELLS, LYMPHADENOPATHY, AND IMMUNODEFICIENCY; ACTIVATED PI3K-DELTA SYNDROME 1; Activated PI3K Delta Syndrome Type 1 (APDS1). Identifiers: Orphanet 397596, Orphanet 693661, MedGen C5907821, MONDO:0014222, OMIM 615513.

Allele frequency attached by ClinVar (database versions not stated): gnomAD exomes 0.00001.
gnomAD v4.1: 3 of 1,612,750 alleles (0.00019%); highest among the groups gnomAD compares: Admixed American, 0.0033%; no homozygotes.

Submission:

Labcorp Genetics (formerly Invitae), Labcorp
Classification: Uncertain significance for Activated PI3K-delta syndrome. Last evaluated: 2025-04-07. Review status: criteria provided, single submitter. Criteria: Invitae Variant Classification Sherloc (09022015). Collection method: clinical testing. Allele origin: germline.
Comment: This sequence change replaces glutamic acid, which is acidic and polar, with glutamine, which is neutral and polar, at codon 540 of the PIK3CD protein (p.Glu540Gln). This variant is present in population databases (no rsID available, gnomAD 0.009%). This variant has not been reported in the literature in individuals affected with PIK3CD-related conditions. ClinVar contains an entry for this variant (Variation ID: 1718078). Invitae Evidence Modeling of protein sequence and biophysical properties (such as structural, functional, and spatial information, amino acid conservation, physicochemical variation, residue mobility, and thermodynamic stability) indicates that this missense variant is not expected to disrupt PIK3CD protein function with a negative predictive value of 80%. In summary, the available evidence is currently insufficient to determine the role of this variant in disease. Therefore, it has been classified as a Variant of Uncertain Significance.